The following is an entry in ClinVar:

ClinVar aggregate classification (germline): Uncertain significance (1 of 4 stars; one submission).

Conditions:
Hereditary cancer-predisposing syndrome. Also called: Tumor predisposition; Neoplastic Syndromes, Hereditary; Hereditary neoplastic syndrome; Hereditary Cancer Syndrome. Identifiers: Orphanet 140162, MedGen C0027672, MeSH D009386, MONDO:0015356.

Submission:

Ambry Genetics
Classification: Uncertain significance for Hereditary cancer-predisposing syndrome. Last evaluated: 2024-07-28. Review status: criteria provided, single submitter. Criteria: Ambry Variant Classification Scheme 2023. Collection method: clinical testing. Allele origin: germline.
Comment: The p.N1037K variant (also known as c.3111C>G), located in coding exon 26 of the TSC2 gene, results from a C to G substitution at nucleotide position 3111. The asparagine at codon 1037 is replaced by lysine, an amino acid with similar properties. This amino acid position is conserved. In addition, the in silico prediction for this alteration is inconclusive. Based on the available evidence, the clinical significance of this variant remains unclear.

NM_000548.5(TSC2):c.3111C>G (p.Asn1037Lys)

Gene: TSC2 (TSC complex subunit 2; plus strand). Cytogenetic location: 16p13.3.
Variant type: single nucleotide variant.
Coding change: c.3111C>G on transcript NM_000548.5 (MANE Select); coding-DNA position 3111, C replaced by G.
Protein change: p.Asn1037Lys; replaces asparagine 1037 with lysine.
Molecular consequence: missense variant. On other transcripts: non-coding transcript variant (5).
Genome position (GRCh38, 1-based): chr16:2,079,176, C>G. VCF-style: chr16-2079176-C-G. GRCh37 (hg19) VCF-style: chr16-2129177-C-G.
Other names: c.2979C>G, p.Asn993Lys (NM_001077183.3, NM_001370404.1, NM_001406665.1); c.3111C>G, p.Asn1037Lys (NM_001114382.3); c.2871C>G, p.Asn957Lys (NM_001318827.2); c.2835C>G, p.Asn945Lys (NM_001318829.2); c.2379C>G, p.Asn793Lys (NM_001318831.2, NM_001406687.1, NM_001406688.1); c.3012C>G, p.Asn1004Lys (NM_001318832.2); c.2982C>G, p.Asn994Lys (NM_001363528.2, NM_001370405.1, NM_021055.3); c.3108C>G, p.Asn1036Lys (NM_001406663.1, NM_001406664.1); and 18 more; short protein forms N988K, N989K, N994K, N1023K, N1024K, N794K, N945K, N956K.
Identifiers: ClinVar variation 3462595 (VCV003462595.1).